The following is an entry in ClinVar:

NM_017433.5(MYO3A):c.4490G>A (p.Arg1497Gln)

Gene: MYO3A (myosin IIIA; plus strand). Cytogenetic location: 10p12.1.
Variant type: single nucleotide variant.
Coding change: c.4490G>A on transcript NM_017433.5 (MANE Select); coding-DNA position 4490, G replaced by A.
Protein change: p.Arg1497Gln; replaces arginine 1497 with glutamine.
Molecular consequence: missense variant.
Genome position (GRCh38, 1-based): chr10:26,193,256, G>A. VCF-style: chr10-26193256-G-A. GRCh37 (hg19) VCF-style: chr10-26482185-G-A.
Other names: short protein forms R1497Q.
Identifiers: ClinVar variation 4625546 (VCV004625546.2).
Genomic context (GRCh38, chr10:26,193,256, plus strand): 5'-TTCTTATAGGTGTCTGTAAAGGAGAGGAGCCAAAAATATTGAGACCCCCAAGACGACCCC[G>A]GAAACCCAAAACATTAAATAACCCTGAAGACTCCACATACTATTATCTACTTCATGTAAG-3'
Protein context (NP_059129.3, residues 1487-1507): PKILRPPRRP[Arg1497Gln]KPKTLNNPED

ClinVar aggregate classification (germline): Uncertain significance. Review status: criteria provided, multiple submitters, no conflicts (2 of 4 stars). 2 submissions from 2 submitters: Uncertain significance (2). Last evaluated 2026-04-13.

Conditions:
MYO3A-related disorder. Also called: MYO3A-related condition.
Inborn genetic diseases. Identifiers: MedGen C0950123, MeSH D030342.

gnomAD v4.1: 51 of 1,613,760 alleles (0.0032%); highest among the groups gnomAD compares: South Asian, 0.011%; no homozygotes.

Submissions (2):

PreventionGenetics, part of Exact Sciences
Classification: Uncertain significance for MYO3A-related condition. Last evaluated: 2026-04-13. Review status: criteria provided, single submitter. Criteria: ACMG Guidelines, 2015. Collection method: clinical testing. Allele origin: germline.
Comment: The MYO3A c.4490G>A variant is predicted to result in the amino acid substitution p.Arg1497Gln. To our knowledge, this variant has not been reported in the literature. This variant is reported in 0.013% of alleles in individuals of South Asian descent in gnomAD. At this time, the clinical significance of this variant is uncertain due to the absence of conclusive functional and genetic evidence.

Ambry Genetics
Classification: Uncertain significance for Inborn genetic diseases. Last evaluated: 2025-11-24. Review status: criteria provided, single submitter. Criteria: Ambry Variant Classification Scheme 2023. Collection method: clinical testing. Allele origin: germline.